The following is an entry in ClinVar:

NM_006914.4(RORB):c.81T>G (p.Cys27Trp)

Gene: RORB (RAR related orphan receptor B; plus strand). Cytogenetic location: 9q21.13.
Variant type: single nucleotide variant.
Coding change: c.81T>G on transcript NM_006914.4 (MANE Select); coding-DNA position 81, T replaced by G.
Protein change: p.Cys27Trp; replaces cysteine 27 with tryptophan.
Molecular consequence: missense variant.
Genome position (GRCh38, 1-based): chr9:74,630,355, T>G. VCF-style: chr9-74630355-T-G. GRCh37 (hg19) VCF-style: chr9-77245271-T-G.
Other names: c.81T>G (NM_006914.3); c.114T>G, p.Cys38Trp (NM_001365023.1); short protein forms C38W, C27W.
Identifiers: ClinVar variation 2094337 (VCV002094337.6), dbSNP rs1471102306, ClinGen allele CA373772031.

ClinVar aggregate classification (germline): Uncertain significance. Review status: criteria provided, multiple submitters, no conflicts (2 of 4 stars). 2 submissions from 2 submitters: Uncertain significance (2). Last evaluated 2025-06-15.

Submissions (2):

GeneDx
Classification: Uncertain significance. Last evaluated: 2025-06-15. Review status: criteria provided, single submitter. Criteria: GeneDx Variant Classification Process June 2021. Collection method: clinical testing. Allele origin: germline.
Comment: Not observed at significant frequency in large population cohorts (gnomAD); In silico analysis supports that this missense variant has a deleterious effect on protein structure/function; Has not been previously published as pathogenic or benign to our knowledge

Labcorp Genetics (formerly Invitae), Labcorp
Classification: Uncertain significance. Last evaluated: 2022-02-07. Review status: criteria provided, single submitter. Criteria: Invitae Variant Classification Sherloc (09022015). Collection method: clinical testing. Allele origin: germline.
Comment: In summary, the available evidence is currently insufficient to determine the role of this variant in disease. Therefore, it has been classified as a Variant of Uncertain Significance. Algorithms developed to predict the effect of missense changes on protein structure and function (SIFT, PolyPhen-2, Align-GVGD) all suggest that this variant is likely to be disruptive. This variant has not been reported in the literature in individuals affected with RORB-related conditions. This variant is not present in population databases (gnomAD no frequency). This sequence change replaces cysteine, which is neutral and slightly polar, with tryptophan, which is neutral and slightly polar, at codon 27 of the RORB protein (p.Cys27Trp).